The following is an entry in ClinVar:

ClinVar aggregate classification (germline): Uncertain significance (1 of 4 stars; one submission).

gnomAD v4.1: 1 of 1,613,974 alleles (0.000062%); highest among the groups gnomAD compares: Non-Finnish European, 0.000085%; no homozygotes.

Submission:

CeGaT Center for Human Genetics Tuebingen
Classification: Uncertain significance. Last evaluated: 2022-07-01. Review status: criteria provided, single submitter. Criteria: CeGaT Center For Human Genetics Tuebingen Variant Classification Criteria Version 2. Collection method: clinical testing. Allele origin: germline. Affected: yes. Observed: 1 variant allele.
Comment: SPG11: PM2, BP4

NM_025137.4(SPG11):c.2719C>A (p.His907Asn)

Gene: SPG11 (SPG11 vesicle trafficking associated, spatacsin; minus strand). Cytogenetic location: 15q21.1.
Variant type: single nucleotide variant.
Coding change: c.2719C>A on transcript NM_025137.4 (MANE Select); coding-DNA position 2719, C replaced by A.
Protein change: p.His907Asn; replaces histidine 907 with asparagine.
Molecular consequence: missense variant.
Genome position (GRCh38, 1-based): chr15:44,620,305, G>T on the plus strand (C>A on the coding strand, the complement: SPG11 is on the minus strand). VCF-style: chr15-44620305-G-T. GRCh37 (hg19) VCF-style: chr15-44912503-G-T.
Other names: c.2719C>A, p.His907Asn (NM_001160227.2); short protein forms H907N.
Identifiers: ClinVar variation 1701254 (VCV001701254.31), dbSNP rs1411461951, ClinGen allele CA392230777.